The following is an entry in ClinVar:

ClinVar aggregate classification (germline): Likely benign (1 of 4 stars; one submission).

Conditions:
Lynch syndrome 5 (LYNCH5). Also called: Colorectal cancer, hereditary nonpolyposis, type 5; Hereditary non-polyposis colorectal cancer, type 5. Identifiers: Orphanet 144, MedGen C1833477, MONDO:0013710, OMIM 614350. Disease mechanism: loss of function.

Submission:

Myriad Genetics, Inc.
Classification: Likely benign for Lynch syndrome 5. Last evaluated: 2024-12-18. Review status: criteria provided, single submitter. Criteria: Myriad Autosomal Dominant, Autosomal Recessive and X-Linked Classification Criteria (2023). Collection method: clinical testing. Allele origin: unknown.
Comment: This variant is considered likely benign. This variant is intronic and is not expected to impact mRNA splicing.

NM_000179.3(MSH6):c.458-14A>G

Gene: MSH6 (mutS homolog 6; plus strand). Cytogenetic location: 2p16.3.
Variant type: single nucleotide variant.
Coding change: c.458-14A>G on transcript NM_000179.3 (MANE Select); 14 bases into the intron before coding-DNA position 458, A replaced by G.
Molecular consequence: intron variant. On other transcripts: 5 prime UTR variant (1).
Genome position (GRCh38, 1-based): chr2:47,795,880, A>G. VCF-style: chr2-47795880-A-G. GRCh37 (hg19) VCF-style: chr2-48023019-A-G.
Other names: c.-82A>G (NM_001406807.1); c.458-14A>G (NM_001406809.1, NM_001406796.1, NM_001406808.1 and 5 more transcripts); c.-279-2731A>G (NM_001406811.1, NM_001281493.2, NM_001406812.1 and 4 more transcripts); c.161-14A>G (NM_001406805.1, NM_001406797.1, NM_001406801.1 and 10 more transcripts); c.554-14A>G (NM_001406795.1, NM_001406802.1); c.464-14A>G (NM_001406813.1); c.-537-14A>G (NM_001406814.1); c.-68-14A>G (NM_001406799.1, NM_001406806.1); and 4 more.
Identifiers: ClinVar variation 3903505 (VCV003903505.1).